The following is an entry in ClinVar:

ClinVar aggregate classification (germline): Benign/Likely benign. Review status: criteria provided, multiple submitters, no conflicts (2 of 4 stars). 3 submissions from 3 submitters: Benign (1); Likely benign (2). Last evaluated 2024-09-19.

Conditions:
Familial cancer of breast. Also called: BREAST CANCER, FAMILIAL; Hereditary breast cancer; hereditary breast carcinoma. Identifiers: Orphanet 227535, MedGen C0346153, MONDO:0016419, OMIM 114480. Disease mechanism: loss of function.
Hereditary cancer-predisposing syndrome. Also called: Neoplastic Syndromes, Hereditary; Tumor predisposition; Hereditary neoplastic syndrome; Hereditary Cancer Syndrome. Identifiers: Orphanet 140162, MedGen C0027672, MeSH D009386, MONDO:0015356.

Submissions (3):

Labcorp Genetics (formerly Invitae), Labcorp
Classification: Likely benign for Familial cancer of breast. Last evaluated: 2024-09-19. Review status: criteria provided, single submitter. Criteria: Invitae Variant Classification Sherloc (09022015). Collection method: clinical testing. Allele origin: germline.

Myriad Genetics, Inc.
Classification: Benign for Familial cancer of breast. Last evaluated: 2024-07-22. Review status: criteria provided, single submitter. Criteria: Myriad Autosomal Dominant, Autosomal Recessive and X-Linked Classification Criteria (2023). Collection method: clinical testing. Allele origin: unknown.
Comment: This variant is considered benign. This variant is a silent/synonymous amino acid change and it is not expected to impact splicing.

Ambry Genetics
Classification: Likely benign for Hereditary cancer-predisposing syndrome. Last evaluated: 2019-06-14. Review status: criteria provided, single submitter. Criteria: Ambry Variant Classification Scheme 2023. Collection method: clinical testing. Allele origin: germline.

NM_000465.4(BARD1):c.606T>C (p.Ser202=)

Gene: BARD1 (BRCA1 associated RING domain 1; minus strand). Cytogenetic location: 2q35.
Variant type: single nucleotide variant.
Coding change: c.606T>C on transcript NM_000465.4 (MANE Select); coding-DNA position 606, T replaced by C.
Protein change: p.Ser202=; no amino-acid change (serine 202 retained).
Molecular consequence: synonymous variant. On other transcripts: non-coding transcript variant (2), intron variant (3).
Genome position (GRCh38, 1-based): chr2:214,781,268, A>G on the plus strand (T>C on the coding strand, the complement: BARD1 is on the minus strand). VCF-style: chr2-214781268-A-G. GRCh37 (hg19) VCF-style: chr2-215645992-A-G.
Other names: c.549T>C, p.Ser183= (NM_001282543.2); c.158+28144T>C (NM_001282548.2); c.215+15793T>C (NM_001282545.2); c.364+11029T>C (NM_001282549.2).
Identifiers: ClinVar variation 826168 (VCV000826168.10), dbSNP rs762810549, ClinGen allele CA431391769.